The following is an entry in ClinVar:

NM_003859.3(DPM1):c.162-9T>C

Gene: DPM1 (dolichyl-phosphate mannosyltransferase subunit 1, catalytic; minus strand). Cytogenetic location: 20q13.13.
Variant type: single nucleotide variant.
Coding change: c.162-9T>C on transcript NM_003859.3 (MANE Select); 9 bases into the intron before coding-DNA position 162, T replaced by C.
Molecular consequence: intron variant.
Genome position (GRCh38, 1-based): chr20:50,955,294, A>G on the plus strand (T>C on the coding strand, the complement: DPM1 is on the minus strand). VCF-style: chr20-50955294-A-G. GRCh37 (hg19) VCF-style: chr20-49571831-A-G.
Other names: c.162-9T>C (NM_001317036.1, NM_001317035.1, NM_001317034.1).
Identifiers: ClinVar variation 4983646 (VCV004983646.1).
Genomic context (GRCh38, chr20:50,955,294, plus strand): 5'-TGTTCCATCTGGGCTTCCATCATCTATGATTATAATTTCATAGTTGATTCCACTAAAAAA[A>G]TTAAATTTGTATTAATGACTGATGACAGTGTTCTCAAATTTAAAAGTAATTTAAAAATTA-3'

ClinVar aggregate classification (germline): Uncertain significance (1 of 4 stars; one submission).

Conditions:
DPM1-related disorder. Also called: DPM1-related condition.

gnomAD v4.1: 2 of 1,592,180 alleles (0.00013%); highest among the groups gnomAD compares: Middle Eastern, 0.033%; no homozygotes.

Submission:

PreventionGenetics, part of Exact Sciences
Classification: Uncertain significance for DPM1-related condition. Last evaluated: 2025-10-02. Review status: criteria provided, single submitter. Criteria: ACMG Guidelines, 2015. Collection method: clinical testing. Allele origin: germline.
Comment: The DPM1 c.162-9T>C variant is predicted to interfere with splicing. To our knowledge, this variant has not been reported in the literature or in a large population database (gnomAD), indicating this variant is rare. At this time, the clinical significance of this variant is uncertain due to the absence of conclusive functional and genetic evidence.